The following is an entry in ClinVar:

ClinVar aggregate classification (germline): Uncertain significance (1 of 4 stars; one submission).

Conditions:
Neuronal ceroid lipofuscinosis 7 (CLN7). Also called: MFSD8-Related Neuronal Ceroid-Lipofuscinosis. Identifiers: Orphanet 168491, Orphanet 228366, MedGen C1838571, MONDO:0012588, OMIM 610951.

Allele frequency attached by ClinVar (database versions not stated): gnomAD exomes 0.00002.
gnomAD v4.1: 22 of 1,612,612 alleles (0.0014%); highest among the groups gnomAD compares: Non-Finnish European, 0.0018%; no homozygotes.

Submission:

Labcorp Genetics (formerly Invitae), Labcorp
Classification: Uncertain significance for Neuronal ceroid lipofuscinosis 7. Last evaluated: 2024-10-22. Review status: criteria provided, single submitter. Criteria: Invitae Variant Classification Sherloc (09022015). Collection method: clinical testing. Allele origin: germline.
Comment: This sequence change replaces threonine, which is neutral and polar, with alanine, which is neutral and non-polar, at codon 301 of the MFSD8 protein (p.Thr301Ala). This variant is not present in population databases (gnomAD no frequency). This variant has not been reported in the literature in individuals affected with MFSD8-related conditions. ClinVar contains an entry for this variant (Variation ID: 1947616). Invitae Evidence Modeling of protein sequence and biophysical properties (such as structural, functional, and spatial information, amino acid conservation, physicochemical variation, residue mobility, and thermodynamic stability) has been performed for this missense variant. However, the output from this modeling did not meet the statistical confidence thresholds required to predict the impact of this variant on MFSD8 protein function. In summary, the available evidence is currently insufficient to determine the role of this variant in disease. Therefore, it has been classified as a Variant of Uncertain Significance.

NM_001371596.2(MFSD8):c.901A>G (p.Thr301Ala)

Gene: MFSD8 (major facilitator superfamily domain containing 8; minus strand). Cytogenetic location: 4q28.2.
Variant type: single nucleotide variant.
Coding change: c.901A>G on transcript NM_001371596.2 (MANE Select); coding-DNA position 901, A replaced by G.
Protein change: p.Thr301Ala; replaces threonine 301 with alanine.
Molecular consequence: missense variant.
Genome position (GRCh38, 1-based): chr4:127,930,780, T>C on the plus strand (A>G on the coding strand, the complement: MFSD8 is on the minus strand). VCF-style: chr4-127930780-T-C. GRCh37 (hg19) VCF-style: chr4-128851935-T-C.
Other names: c.700A>G, p.Thr234Ala (NM_001363520.3); c.586A>G, p.Thr196Ala (NM_001363521.3); c.766A>G, p.Thr256Ala (NM_001371590.2); c.901A>G, p.Thr301Ala (NM_001371591.2, NM_152778.4); c.907A>G, p.Thr303Ala (NM_001371592.2); c.787A>G, p.Thr263Ala (NM_001371593.2, NM_001410766.1); c.754A>G, p.Thr252Ala (NM_001371594.2); c.619A>G, p.Thr207Ala (NM_001371595.1); and 1 more; short protein forms T303A, T151A, T196A, T207A, T256A, T263A, T301A, T234A.
Identifiers: ClinVar variation 1947616 (VCV001947616.3), dbSNP rs2546083595, ClinGen allele CA358174006.